The following is an entry in ClinVar:

NM_015330.6(SPECC1L):c.2003C>T (p.Thr668Met)

Genes: SPECC1L (sperm antigen with calponin homology and coiled-coil domains 1 like; plus strand), SPECC1L-ADORA2A (SPECC1L-ADORA2A readthrough (NMD candidate); plus strand). Cytogenetic location: 22q11.23.
Variant type: single nucleotide variant.
Coding change: c.2003C>T on transcript NM_015330.6 (MANE Select); coding-DNA position 2003, C replaced by T.
Protein change: p.Thr668Met; replaces threonine 668 with methionine.
Molecular consequence: missense variant. On other transcripts: non-coding transcript variant (1).
Genome position (GRCh38, 1-based): chr22:24,324,284, C>T. VCF-style: chr22-24324284-C-T. GRCh37 (hg19) VCF-style: chr22-24720252-C-T.
Other names: c.2003C>T (NM_015330.4); c.2003C>T, p.Thr668Met (NM_001145468.4, NM_001254732.3); short protein forms T668M.
Identifiers: ClinVar variation 1666642 (VCV001666642.12), dbSNP rs143004795, ClinGen allele CA10152217.

ClinVar aggregate classification (germline): Conflicting classifications of pathogenicity. Review status: criteria provided, conflicting classifications (1 of 4 stars). 3 submissions from 3 submitters: Uncertain significance (1); Likely benign (1). 1 of the submissions does not count toward it. Last evaluated 2025-10-02.

Conditions:
SPECC1L-related disorder. Also called: SPECC1L-related condition.

Allele frequency attached by ClinVar (database versions not stated): gnomAD 0.00028 and 0.00030; TOPMed 0.00028; gnomAD exomes 0.00042 and 0.00043; ExAC 0.00050; ESP Exome Variant Server 0.00069.
gnomAD v4.1: 666 of 1,613,840 alleles (0.041%); highest among the groups gnomAD compares: South Asian, 0.081%; no homozygotes.

Submissions (3):

Labcorp Genetics (formerly Invitae), Labcorp
Classification: Likely benign. Last evaluated: 2025-10-02. Review status: criteria provided, single submitter. Criteria: Invitae Variant Classification Sherloc (09022015). Collection method: clinical testing. Allele origin: germline.

Genetic Services Laboratory, University of Chicago
Classification: Uncertain significance. Last evaluated: 2023-03-01. Review status: criteria provided, single submitter. Criteria: ACMG Guidelines, 2015. Collection method: clinical testing. Allele origin: germline. Affected: no.
Comment: DNA sequence analysis of the SPECC1L gene demonstrated a sequence change, c.2003C>T, in exon 6 that results in an amino acid change, p.Thr668Met. This sequence change does not appear to have been previously described in individuals with SPECC1L-related disorders. This sequence change has been described in the gnomAD database with a frequency of 0.04% in the overall population (dbSNP rs143004795). The p.Thr668Met change affects a moderately conserved amino acid residue located in a domain of the SPECC1L protein that is not known to be functional. The p.Thr668Met substitution appears to be benign using several in-silico pathogenicity prediction tools (SIFT, PolyPhen2, Align GVGD, REVEL). Due to insufficient evidences and the lack of functional studies, the clinical significance of the p.Thr668Met change remains unknown at this time.

PreventionGenetics, part of Exact Sciences
Classification: Uncertain significance for SPECC1L-related condition. Last evaluated: 2024-03-26. Review status: no assertion criteria provided. Collection method: clinical testing. Allele origin: germline. Not counted in ClinVar's aggregate classification.
Comment: The SPECC1L c.2003C>T variant is predicted to result in the amino acid substitution p.Thr668Met. To our knowledge, this variant has not been reported in the literature. This variant is reported in 0.095% of alleles in individuals of South Asian descent in gnomAD. Although we suspect that this variant may be benign, at this time, the clinical significance of this variant is uncertain due to the absence of conclusive functional and genetic evidence.